The following is an entry in ClinVar:

NM_000038.6(APC):c.7300A>C (p.Arg2434=)

Gene: APC (APC regulator of Wnt signaling pathway; plus strand). Cytogenetic location: 5q22.2.
Variant type: single nucleotide variant.
Coding change: c.7300A>C on transcript NM_000038.6 (MANE Select); coding-DNA position 7300, A replaced by C.
Protein change: p.Arg2434=; no amino-acid change (arginine 2434 retained).
Molecular consequence: synonymous variant.
Genome position (GRCh38, 1-based): chr5:112,842,894, A>C. VCF-style: chr5-112842894-A-C. GRCh37 (hg19) VCF-style: chr5-112178591-A-C.
Other names: c.7300A>C, p.Arg2434= (NM_001127510.3, NM_001354895.2); c.7246A>C, p.Arg2416= (NM_001127511.3); c.7354A>C, p.Arg2452= (NM_001354896.2); c.7330A>C, p.Arg2444= (NM_001354897.2); c.7225A>C, p.Arg2409= (NM_001354898.2); c.7216A>C, p.Arg2406= (NM_001354899.2); c.7177A>C, p.Arg2393= (NM_001354900.2); c.7123A>C, p.Arg2375= (NM_001354901.2); and 5 more.
Identifiers: ClinVar variation 765728 (VCV000765728.16), dbSNP rs1363061583, ClinGen allele CA446210245.
Genomic context (GRCh38, chr5:112,842,894, plus strand): 5'-GTAGAACTTTCTAGAATGTCTTCAACTAAATCAAGTGGAAGTGAATCTGATAGATCAGAA[A>C]GACCTGTATTAGTACGCCAGTCAACTTTCATCAAAGAAGCTCCAAGCCCAACCTTAAGAA-3'
Protein context (NP_000029.2, residues 2424-2444): SSGSESDRSE[Arg2434=]PVLVRQSTFI

ClinVar aggregate classification (germline): Benign/Likely benign. Review status: criteria provided, multiple submitters, no conflicts (2 of 4 stars). 4 submissions from 4 submitters: Benign (1); Likely benign (3). Last evaluated 2025-10-31.

Conditions:
Classic or attenuated familial adenomatous polyposis. Identifiers: MedGen CN372698, MONDO:0021057.
Familial adenomatous polyposis 1 (FAP1). Also called: FAMILIAL ADENOMATOUS POLYPOSIS 1, ATTENUATED; POLYPOSIS, ADENOMATOUS INTESTINAL. Identifiers: MedGen C2713442, MONDO:0021056, OMIM 175100. Disease mechanism: loss of function.
Hereditary cancer-predisposing syndrome. Also called: Tumor predisposition; Neoplastic Syndromes, Hereditary; Hereditary Cancer Syndrome; Hereditary neoplastic syndrome. Identifiers: Orphanet 140162, MedGen C0027672, MeSH D009386, MONDO:0015356.

Allele frequency attached by ClinVar (database versions not stated): TOPMed below 0.00001; gnomAD 0.00001.
gnomAD v4.1: 2 of 1,613,982 alleles (0.00012%); highest among the groups gnomAD compares: African/African-American, 0.0027%; no homozygotes.

Submissions (4):

Labcorp Genetics (formerly Invitae), Labcorp
Classification: Likely benign for Familial adenomatous polyposis 1. Last evaluated: 2025-10-31. Review status: criteria provided, single submitter. Criteria: Invitae Variant Classification Sherloc (09022015). Collection method: clinical testing. Allele origin: germline.

Myriad Genetics, Inc.
Classification: Benign for Familial adenomatous polyposis 1. Last evaluated: 2024-04-09. Review status: criteria provided, single submitter. Criteria: Myriad Autosomal Dominant, Autosomal Recessive and X-Linked Classification Criteria (2023). Collection method: clinical testing. Allele origin: unknown.
Comment: This variant is considered benign. This variant is a silent/synonymous amino acid change and it is not expected to impact splicing.

All of Us Research Program, National Institutes of Health
Classification: Likely benign for Classic or attenuated familial adenomatous polyposis. Last evaluated: 2023-11-02. Review status: criteria provided, single submitter. Criteria: ACMG Guidelines, 2015. Collection method: clinical testing. Allele origin: germline. Inheritance: Autosomal dominant inheritance. Observed: 1 variant allele, 1 heterozygote.
Comment: This study involves interpretation of variants in research participants for the purpose of population health screening. Participant phenotype was not available at the time of variant classification. Additional details can be found in publication PMID: 35346344, PMCID: PMC8962531

Ambry Genetics
Classification: Likely benign for Hereditary cancer-predisposing syndrome. Last evaluated: 2021-04-16. Review status: criteria provided, single submitter. Criteria: Ambry Variant Classification Scheme 2023. Collection method: clinical testing. Allele origin: germline.